The following is an entry in ClinVar:

NM_024675.4(PALB2):c.344G>T (p.Gly115Val)

Gene: PALB2 (partner and localizer of BRCA2; minus strand). Cytogenetic location: 16p12.2.
Variant type: single nucleotide variant.
Coding change: c.344G>T on transcript NM_024675.4 (MANE Select); coding-DNA position 344, G replaced by T.
Protein change: p.Gly115Val; replaces glycine 115 with valine.
Molecular consequence: missense variant.
Genome position (GRCh38, 1-based): chr16:23,636,202, C>A on the plus strand (G>T on the coding strand, the complement: PALB2 is on the minus strand). VCF-style: chr16-23636202-C-A. GRCh37 (hg19) VCF-style: chr16-23647523-C-A.
Other names: short protein forms G115V.
Identifiers: ClinVar variation 126743 (VCV000126743.60), dbSNP rs145598272, ClinGen allele CA193686.

ClinVar aggregate classification (germline): Conflicting classifications of pathogenicity. Review status: criteria provided, conflicting classifications (1 of 4 stars). 15 submissions from 15 submitters: Uncertain significance (1); Benign (1); Likely benign (9). 4 of the submissions do not count toward it. Last evaluated 2026-02-02.

Conditions:
PALB2-related disorder. Also called: PALB2-related condition; PALB2-related disorders.
Breast-ovarian cancer, familial, susceptibility to, 5 (BROVCA5). Identifiers: MedGen C5830615, MONDO:0957530, OMIM 620442.
Breast and/or ovarian cancer. Identifiers: MedGen CN221562.
Hereditary cancer-predisposing syndrome. Also called: Tumor predisposition; Hereditary neoplastic syndrome; Neoplastic Syndromes, Hereditary; Hereditary Cancer Syndrome. Identifiers: Orphanet 140162, MedGen C0027672, MeSH D009386, MONDO:0015356.
Familial cancer of breast. Also called: Hereditary breast cancer; hereditary breast carcinoma; BREAST CANCER, FAMILIAL. Identifiers: Orphanet 227535, MedGen C0346153, MONDO:0016419, OMIM 114480. Disease mechanism: loss of function.
Malignant tumor of breast. Also called: Malignant breast neoplasm; Cancer breast. Identifiers: MedGen C0006142, MONDO:0007254. Disease mechanism: loss of function.

Allele frequency attached by ClinVar (database versions not stated): ExAC 0.00007; gnomAD exomes 0.00007 and 0.00013; TOPMed 0.00007; gnomAD 0.00009; ESP Exome Variant Server 0.00015.
gnomAD v4.1: 199 of 1,612,880 alleles (0.012%); highest among the groups gnomAD compares: Non-Finnish European, 0.016%; no homozygotes.

Submissions (15):

Labcorp Genetics (formerly Invitae), Labcorp
Classification: Likely benign for Familial cancer of breast. Last evaluated: 2026-02-02. Review status: criteria provided, single submitter. Criteria: Invitae Variant Classification Sherloc (09022015). Collection method: clinical testing. Allele origin: germline.

Dasa
Classification: Likely benign for Breast-ovarian cancer, familial, susceptibility to, 5. Last evaluated: 2024-12-09. Review status: criteria provided, single submitter. Criteria: DASA Assertion Criteria. Collection method: clinical testing. Allele origin: germline.
Comment: NM_024675.4(PALB2):c.344G>T (p.Gly115Val) is a missense variant that results in the substitution of glycine with valine. Based on the available data, this variant is classified as likely benign.

CeGaT Center for Human Genetics Tuebingen
Classification: Likely benign. Last evaluated: 2023-08-01. Review status: criteria provided, single submitter. Criteria: CeGaT Center For Human Genetics Tuebingen Variant Classification Criteria Version 2. Collection method: clinical testing. Allele origin: germline. Affected: yes. Observed: 2 variant alleles.
Comment: PALB2: BP4

Myriad Genetics, Inc.
Classification: Likely benign for Familial cancer of breast. Last evaluated: 2023-03-31. Review status: criteria provided, single submitter. Criteria: Myriad Autosomal Dominant, Autosomal Recessive and X-Linked Classification Criteria (2023). Collection method: clinical testing. Allele origin: unknown.
Comment: This variant is considered likely benign. This variant is strongly associated with less severe personal and family histories of cancer, typical for individuals without pathogenic variants in this gene [PMID: 25085752].

Quest Diagnostics Nichols Institute San Juan Capistrano
Classification: Likely benign. Last evaluated: 2022-03-14. Review status: criteria provided, single submitter. Criteria: Quest Diagnostics criteria. Collection method: clinical testing. Allele origin: unknown.

CHEO Genetics Diagnostic Laboratory, Children's Hospital of Eastern Ontario
Classification: Likely benign for Breast and/or ovarian cancer. Last evaluated: 2021-06-17. Review status: criteria provided, single submitter. Criteria: ACMG Guidelines, 2015. Collection method: clinical testing. Allele origin: germline.

GeneDx
Classification: Likely benign. Last evaluated: 2020-12-01. Review status: criteria provided, single submitter. Criteria: GeneDx Variant Classification Process June 2021. Collection method: clinical testing. Allele origin: germline. Affected: yes.
Comment: This variant is associated with the following publications: (PMID: 23824750, 26564480, 18053174, 26283626, 26689913)

Ambry Genetics
Classification: Likely benign for Hereditary cancer-predisposing syndrome. Last evaluated: 2018-09-10. Review status: criteria provided, single submitter. Criteria: Ambry Variant Classification Scheme 2023. Collection method: clinical testing. Allele origin: germline.

Women's Health and Genetics/Laboratory Corporation of America, LabCorp
Classification: Likely benign. Last evaluated: 2016-08-08. Review status: criteria provided, single submitter. Criteria: LabCorp Variant Classification Summary - May 2015. Collection method: clinical testing. Allele origin: germline.
Comment: Variant summary: The PALB2 c.344G>T (p.Gly115Val) variant involves the alteration of a non-conserved nucleotide. The altered amino acid is not located in any known domain. 4/5 in silico tools predict a benign outcome for this variant. This variant was found in 26/139488 control chromosomes at a frequency of 0.0001864, which is slightly higher than the estimated maximal expected allele frequency of a pathogenic PALB2 variant (0.0001563), suggesting this variant is possibly a benign polymorphism. This variant has been reported in HBOC patients and matched controls. At least one study suggested that this variant was not associated with the disease (Foulkes_2007). In addition, multiple clinical diagnostic laboratories/reputable databases classified this variant as likely benign. Taken together, this variant is classified as likely benign.

Color Diagnostics, LLC DBA Color Health
Classification: Benign for Hereditary cancer-predisposing syndrome. Last evaluated: 2015-08-04. Review status: criteria provided, single submitter. Criteria: ACMG Guidelines, 2015. Collection method: clinical testing. Allele origin: germline.

Cancer Genetics Laboratory, Peter MacCallum Cancer Centre
Classification: Uncertain significance for Familial cancer of breast. Last evaluated: 2015-06-01. Review status: criteria provided, single submitter. Criteria: Thompson et al. (Breast Cancer Res. 2015). Collection method: case-control. Allele origin: germline. Affected: yes and no. Observed: 2 variant alleles, 2 heterozygotes.

PreventionGenetics, part of Exact Sciences
Classification: Likely benign for PALB2-related condition. Last evaluated: 2021-02-08. Review status: no assertion criteria provided. Collection method: clinical testing. Allele origin: germline. Not counted in ClinVar's aggregate classification.
Comment: This variant is classified as likely benign based on ACMG/AMP sequence variant interpretation guidelines (Richards et al. 2015 PMID: 25741868, with internal and published modifications).

Leiden Open Variation Database
Classification: Likely benign for Familial cancer of breast. Last evaluated: 2019-05-13. Review status: no assertion criteria provided. Collection method: curation. Allele origin: germline. Affected: yes. Not counted in ClinVar's aggregate classification.
Comment: Curators: Marc Tischkowitz, Arleen D. Auerbach. Submitter to LOVD: Marc Tischkowitz.

Counsyl
Classification: Uncertain significance for Familial cancer of breast. Last evaluated: 2016-05-03. Review status: no assertion criteria provided. Collection method: clinical testing. Allele origin: unknown. Not counted in ClinVar's aggregate classification.

Department of Pathology and Laboratory Medicine, Sinai Health System
Classification: Likely benign for Malignant tumor of breast. Review status: no assertion criteria provided. Collection method: clinical testing. Allele origin: unknown. Affected: yes. Observed: 4 variant alleles. Study: The Canadian Open Genetics Repository (COGR). Not counted in ClinVar's aggregate classification.
Comment: The PALB2 p.Gly115Val variant was identified in 3 of 5070 proband chromosomes (frequency: 0.0006) from individuals or families with breast or ovarian cancer and was present in 17 of 18204 control chromosomes (frequency: 0.0009) from healthy individuals (Foulkes 2007, Wong-Brown 2014, Thompson 2015, Damiola 2015). The variant was also identified in dbSBP (ID: rs145598272) as â€šÃ„ÃºWith other alleleâ€šÃ„Ã¹, ClinVar (3x likely benign by Invitae, Ambry Genetics, GeneDx, 3x uncertain significance by Peter MacCallum Cancer Centre, PALB2 database, Counsyl), Clinvitae (3x likely benign by GeneDx, Ambry Genetics, Invitae; 3x uncertain significance by PALB2 database, Counsyl, Peter MacCallum Cancer Centre), LOVD 3.0 (2x effect unknown), Zhejiang Colon Cancer Database (2x pathogenicity unknown), databases. The variant was not identified in COSMIC or MutDB databases. The variant was identified in control databases in 25 of 276102 chromosomes (22x European non-Finnish, 2x Latino, 1x African) at a frequency of 0.00009 increasing the likelihood that this may be a low frequency benign variant in certain populations of origin (Genome Aggregation Consortium Feb 27, 2017). The p.Gly115Val residue is not conserved in mammals and four out of five computational analyses (PolyPhen-2, SIFT, AlignGVGD, BLOSUM, MutationTaster) do not suggest a high likelihood of impact to the protein; however, this information is not predictive enough to rule out pathogenicity. The variant occurs outside of the splicing consensus sequence and in silico or computational prediction software programs (SpliceSiteFinder, MaxEntScan, NNSPLICE, GeneSplicer, HumanSpliceFinder) do not predict a difference in splicing. In summary, based on the above information the clinical significance of this variant cannot be determined with certainty at this time although we would lean towards a more benign role for this variant. This variant is classified as likely benign.

Literature cited by the submitters: PubMed 25085752 (cited by Myriad Genetics, Inc.); PubMed 23824750 (cited by 4 submitters); PubMed 18053174 (cited by 5 submitters); PubMed 26283626 (cited by Quest Diagnostics Nichols Institute San Juan Capistrano and Counsyl); PubMed 26564480 (cited by 4 submitters); PubMed 26689913 (cited by Quest Diagnostics Nichols Institute San Juan Capistrano and Counsyl); PubMed 25225577 (cited by Women's Health and Genetics/Laboratory Corporation of America, LabCorp and Counsyl).